The following is an entry in ClinVar:

NM_173648.4(CCDC141):c.3948T>G (p.Ser1316Arg)

Gene: CCDC141 (coiled-coil domain containing 141; minus strand). Cytogenetic location: 2q31.2.
Variant type: single nucleotide variant.
Coding change: c.3948T>G on transcript NM_173648.4 (MANE Select); coding-DNA position 3948, T replaced by G.
Protein change: p.Ser1316Arg; replaces serine 1316 with arginine.
Molecular consequence: missense variant.
Genome position (GRCh38, 1-based): chr2:178,837,271, A>C on the plus strand (T>G on the coding strand, the complement: CCDC141 is on the minus strand). VCF-style: chr2-178837271-A-C. GRCh37 (hg19) VCF-style: chr2-179701998-A-C.
Other names: short protein forms S1316R.
Identifiers: ClinVar variation 2884815 (VCV002884815.3), dbSNP rs143659554, ClinGen allele CA2006590.
Genomic context (GRCh38, chr2:178,837,271, plus strand): 5'-AGGGTGCTGCTGTAAAGCTCTCTCATGCACTTCACTCATCATGCTCTCTGGATGTTCAGC[A>C]CTGATTCTGTGTAAGGCAGTACTCTTTTCCACGAATCCTCTGGAGGTTAGTGGGGGCTCA-3'
Protein context (NP_775919.3, residues 1306-1326): VEKSTALHRI[Ser1316Arg]AEHPESMMSE

ClinVar aggregate classification (germline): Uncertain significance (1 of 4 stars; one submission).

Allele frequency attached by ClinVar (database versions not stated): ExAC 0.00008; gnomAD 0.00013; TOPMed 0.00013; 1000 Genomes Project 30x 0.00016; 1000 Genomes Project 0.00020; gnomAD exomes 0.00026; ESP Exome Variant Server 0.00038.
gnomAD v4.1: 428 of 1,614,092 alleles (0.027%); highest among the groups gnomAD compares: Non-Finnish European, 0.033%; 2 homozygotes.

Submission:

Labcorp Genetics (formerly Invitae), Labcorp
Classification: Uncertain significance. Last evaluated: 2024-04-14. Review status: criteria provided, single submitter. Criteria: Invitae Variant Classification Sherloc (09022015). Collection method: clinical testing. Allele origin: germline.
Comment: This sequence change replaces serine, which is neutral and polar, with arginine, which is basic and polar, at codon 1316 of the CCDC141 protein (p.Ser1316Arg). This variant is present in population databases (rs143659554, gnomAD 0.02%). This variant has not been reported in the literature in individuals affected with CCDC141-related conditions. Algorithms developed to predict the effect of missense changes on protein structure and function output the following: SIFT: "Not Available"; PolyPhen-2: "Benign"; Align-GVGD: "Not Available". The arginine amino acid residue is found in multiple mammalian species, which suggests that this missense change does not adversely affect protein function. In summary, the available evidence is currently insufficient to determine the role of this variant in disease. Therefore, it has been classified as a Variant of Uncertain Significance.